The following is an entry in ClinVar:

NM_001875.5(CPS1):c.3405-2A>G

Gene: CPS1 (carbamoyl-phosphate synthase 1; plus strand). Cytogenetic location: 2q34.
Variant type: single nucleotide variant.
Coding change: c.3405-2A>G on transcript NM_001875.5 (MANE Select); the canonical splice acceptor site of the intron before coding-DNA position 3405, A replaced by G.
Molecular consequence: splice acceptor variant.
Genome position (GRCh38, 1-based): chr2:210,650,361, A>G. VCF-style: chr2-210650361-A-G. GRCh37 (hg19) VCF-style: chr2-211515085-A-G.
Other names: c.3405-2A>G (NM_001369257.1, NM_001122633.3); c.3438-2A>G (NM_001369256.1).
Identifiers: ClinVar variation 1067184 (VCV001067184.9), dbSNP rs2105910926, ClinGen allele CA350436803.

ClinVar aggregate classification (germline): Likely pathogenic (1 of 4 stars; one submission).

Conditions:
Congenital hyperammonemia, type I. Also called: Carbamoyl phosphate synthetase I deficiency disease; Carbamoyl phosphate synthetase 1 deficiency; Hyperammonemia due to carbamoyl phosphate synthetase 1 deficiency; CPS 1 deficiency; Carbamyl phosphate synthetase (CPS) deficiency; CPS I DEFICIENCY. Identifiers: Orphanet 147, MedGen C4082171, MONDO:0009376, OMIM 237300.

Submission:

Labcorp Genetics (formerly Invitae), Labcorp
Classification: Likely pathogenic for Congenital hyperammonemia, type I. Last evaluated: 2022-07-11. Review status: criteria provided, single submitter. Criteria: Invitae Variant Classification Sherloc (09022015). Collection method: clinical testing. Allele origin: germline.
Comment: Algorithms developed to predict the effect of sequence changes on RNA splicing suggest that this variant may disrupt the consensus splice site. ClinVar contains an entry for this variant (Variation ID: 1067184). This variant has not been reported in the literature in individuals affected with CPS1-related conditions. This variant is not present in population databases (gnomAD no frequency). This sequence change affects an acceptor splice site in intron 27 of the CPS1 gene. It is expected to disrupt RNA splicing. Variants that disrupt the donor or acceptor splice site typically lead to a loss of protein function (PMID: 16199547), and loss-of-function variants in CPS1 are known to be pathogenic (PMID: 21120950). In summary, the currently available evidence indicates that the variant is pathogenic, but additional data are needed to prove that conclusively. Therefore, this variant has been classified as Likely Pathogenic.

Literature cited by the submitters: PubMed 16199547; PubMed 21120950.